The following is an entry in ClinVar:

ClinVar aggregate classification (germline): Uncertain significance. Review status: criteria provided, multiple submitters, no conflicts (2 of 4 stars). 3 submissions from 3 submitters: Uncertain significance (3). Last evaluated 2025-04-30.

Allele frequency attached by ClinVar (database versions not stated): gnomAD exomes 0.00001; ESP Exome Variant Server 0.00016; gnomAD 0.00012; ExAC 0.00005; TOPMed 0.00014.
gnomAD v4.1: 25 of 1,613,468 alleles (0.0015%); highest among the groups gnomAD compares: African/African-American, 0.031%; no homozygotes.

Submissions (3):

Mayo Clinic Laboratories, Mayo Clinic
Classification: Uncertain significance. Last evaluated: 2025-04-30. Review status: criteria provided, single submitter. Criteria: ACMG Guidelines, 2015. Collection method: clinical testing. Allele origin: germline. Observed: 4 variant alleles.
Comment: BP4_strong, PM2_moderate

Revvity Omics, Revvity
Classification: Uncertain significance. Last evaluated: 2022-11-23. Review status: criteria provided, single submitter. Criteria: ACMG Guidelines, 2015. Collection method: clinical testing. Allele origin: germline.

Ambry Genetics
Classification: Uncertain significance. Last evaluated: 2021-08-09. Review status: criteria provided, single submitter. Criteria: Ambry Variant Classification Scheme 2023. Collection method: clinical testing. Allele origin: germline.

NM_003126.4(SPTA1):c.4448A>G (p.Lys1483Arg)

Gene: SPTA1 (spectrin alpha, erythrocytic 1; minus strand). Cytogenetic location: 1q23.1.
Variant type: single nucleotide variant.
Coding change: c.4448A>G on transcript NM_003126.4 (MANE Select); coding-DNA position 4448, A replaced by G.
Protein change: p.Lys1483Arg; replaces lysine 1483 with arginine.
Molecular consequence: missense variant.
Genome position (GRCh38, 1-based): chr1:158,642,971, T>C on the plus strand (A>G on the coding strand, the complement: SPTA1 is on the minus strand). VCF-style: chr1-158642971-T-C. GRCh37 (hg19) VCF-style: chr1-158612761-T-C.
Other names: p.Lys1483Arg; short protein forms K1483R.
Identifiers: ClinVar variation 2400687 (VCV002400687.7), dbSNP rs374774131, ClinGen allele CA1182682.
Genomic context (GRCh38, chr1:158,642,971, plus strand): 5'-TTTAGGTTGGCATAGTCTCCAAGCTTTGTCCGCTCATCAATCAGTTGTGCTTTGAGAGCC[T>C]TCCACCTAGAGGACGGAGCCAAATCACTCTATGCCCTCCTCCACCCTTCCCATGCTCTGA-3'
Protein context (NP_003117.2, residues 1473-1493): TRLQRVLDRW[Lys1483Arg]ALKAQLIDER